The following is an entry in ClinVar:

ClinVar aggregate classification (germline): Uncertain significance. Review status: criteria provided, multiple submitters, no conflicts (2 of 4 stars). 2 submissions from 2 submitters: Uncertain significance (2). Last evaluated 2026-01-02.

Conditions:
Inborn genetic diseases. Identifiers: MedGen C0950123, MeSH D030342.

Allele frequency attached by ClinVar (database versions not stated): ESP Exome Variant Server 0.00008; 1000 Genomes Project 30x 0.00016; 1000 Genomes Project 0.00020.

Submissions (2):

Labcorp Genetics (formerly Invitae), Labcorp
Classification: Uncertain significance. Last evaluated: 2026-01-02. Review status: criteria provided, single submitter. Criteria: Invitae Variant Classification Sherloc (09022015). Collection method: clinical testing. Allele origin: germline.
Comment: This sequence change replaces glycine, which is neutral and non-polar, with arginine, which is basic and polar, at codon 207 of the IHH protein (p.Gly207Arg). This variant is present in population databases (rs148084426, gnomAD 0.03%). This variant has not been reported in the literature in individuals affected with IHH-related conditions. ClinVar contains an entry for this variant (Variation ID: 2205062). Invitae Evidence Modeling of protein sequence and biophysical properties (such as structural, functional, and spatial information, amino acid conservation, physicochemical variation, residue mobility, and thermodynamic stability) indicates that this missense variant is not expected to disrupt IHH protein function with a negative predictive value of 80%. In summary, the available evidence is currently insufficient to determine the role of this variant in disease. Therefore, it has been classified as a Variant of Uncertain Significance.

Ambry Genetics
Classification: Uncertain significance for Inborn genetic diseases. Last evaluated: 2021-11-09. Review status: criteria provided, single submitter. Criteria: Ambry Variant Classification Scheme 2023. Collection method: clinical testing. Allele origin: germline.

NM_002181.4(IHH):c.619G>A (p.Gly207Arg)

Gene: IHH (Indian hedgehog signaling molecule; minus strand). Cytogenetic location: 2q35.
Variant type: single nucleotide variant.
Coding change: c.619G>A on transcript NM_002181.4 (MANE Select); coding-DNA position 619, G replaced by A.
Protein change: p.Gly207Arg; replaces glycine 207 with arginine.
Molecular consequence: missense variant.
Genome position (GRCh38, 1-based): chr2:219,055,824, C>T on the plus strand (G>A on the coding strand, the complement: IHH is on the minus strand). VCF-style: chr2-219055824-C-T. GRCh37 (hg19) VCF-style: chr2-219920546-C-T.
Other names: short protein forms G207R.
Identifiers: ClinVar variation 2205062 (VCV002205062.5), dbSNP rs148084426, ClinGen allele CA2116653.